The following is an entry in ClinVar:

ClinVar aggregate classification (germline): Uncertain significance. Review status: criteria provided, multiple submitters, no conflicts (2 of 4 stars). 3 submissions from 3 submitters: Uncertain significance (3). Last evaluated 2025-08-18.

Conditions:
Neuromuscular disease caused by qualitative or quantitative defects of dysferlin. Also called: Qualitative or quantitative defects of dysferlin; Dysferlinopathy. Identifiers: Orphanet 207073, MedGen C2931687, MONDO:0016145.

Allele frequency attached by ClinVar (database versions not stated): gnomAD 0.00001; gnomAD exomes 0.00001; TOPMed 0.00001; ExAC 0.00002; ESP Exome Variant Server 0.00008.
gnomAD v4.1: 12 of 1,611,722 alleles (0.00074%); highest among the groups gnomAD compares: East Asian, 0.0022%; no homozygotes.

Submissions (3):

Labcorp Genetics (formerly Invitae), Labcorp
Classification: Uncertain significance for Neuromuscular disease caused by qualitative or quantitative defects of dysferlin. Last evaluated: 2025-08-18. Review status: criteria provided, single submitter. Criteria: Invitae Variant Classification Sherloc (09022015). Collection method: clinical testing. Allele origin: germline.
Comment: This sequence change falls in intron 27 of the DYSF gene. It does not directly change the encoded amino acid sequence of the DYSF protein. This variant is present in population databases (rs374508907, gnomAD 0.002%). This variant has been observed in individual(s) with limb-girdle muscular dystrophy (PMID: 19154541; internal data). ClinVar contains an entry for this variant (Variation ID: 895603). Algorithms developed to predict the effect of sequence changes on RNA splicing suggest that this variant may disrupt the consensus splice site. In summary, the available evidence is currently insufficient to determine the role of this variant in disease. Therefore, it has been classified as a Variant of Uncertain Significance.

Blueprint Genetics
Classification: Uncertain significance. Last evaluated: 2024-02-20. Review status: criteria provided, single submitter. Criteria: ACMG Guidelines, 2015. Collection method: clinical testing. Allele origin: germline.

Illumina Laboratory Services, Illumina
Classification: Uncertain significance for Qualitative or quantitative defects of dysferlin. Last evaluated: 2017-04-28. Review status: criteria provided, single submitter. Criteria: ICSL Variant Classification Criteria 13 December 2019. Collection method: clinical testing. Allele origin: germline.

Literature cited by the submitters: PubMed 19154541 (cited by Labcorp Genetics (formerly Invitae), Labcorp).

NM_001130987.2(DYSF):c.2980-14G>A

Gene: DYSF (dysferlin; plus strand). Cytogenetic location: 2p13.2.
Variant type: single nucleotide variant.
Coding change: c.2980-14G>A on transcript NM_001130987.2 (MANE Select); 14 bases into the intron before coding-DNA position 2980, G replaced by A.
Molecular consequence: intron variant.
Genome position (GRCh38, 1-based): chr2:71,570,215, G>A. VCF-style: chr2-71570215-G-A. GRCh37 (hg19) VCF-style: chr2-71797345-G-A.
Other names: c.3019-14G>A (NM_001130979.2); c.2977-14G>A (NM_001130981.2, NM_001130980.2); c.2926-14G>A (NM_001130978.2, NM_003494.4); c.2884-14G>A (NM_001130977.2, NM_001130976.2); c.3022-14G>A (NM_001130982.2); c.2980-14G>A (NM_001130985.2); c.2929-14G>A (NM_001130983.2, NM_001130455.2); c.2887-14G>A (NM_001130984.2, NM_001130986.2).
Identifiers: ClinVar variation 895603 (VCV000895603.8), dbSNP rs374508907, ClinGen allele CA1706361.